The following is an entry in ClinVar:

ClinVar aggregate classification (germline): Pathogenic (1 of 4 stars; one submission).

Conditions:
DICER1-related tumor predisposition. Also called: DICER1 syndrome; DICER1-related pleuropulmonary blastoma cancer predisposition syndrome. Identifiers: Orphanet 284343, MedGen C3839822, MONDO:0100216.

Submission:

Labcorp Genetics (formerly Invitae), Labcorp
Classification: Pathogenic for DICER1-related tumor predisposition. Last evaluated: 2021-10-03. Review status: criteria provided, single submitter. Criteria: Invitae Variant Classification Sherloc (09022015). Collection method: clinical testing. Allele origin: germline.
Comment: For these reasons, this variant has been classified as Pathogenic. This variant has not been reported in the literature in individuals affected with DICER1-related conditions. This variant is not present in population databases (ExAC no frequency). This sequence change creates a premature translational stop signal (p.Asn458Thrfs*3) in the DICER1 gene. It is expected to result in an absent or disrupted protein product. Loss-of-function variants in DICER1 are known to be pathogenic (PMID: 19556464, 21266384).

Literature cited by the submitters: PubMed 19556464; PubMed 21266384.

NM_177438.3(DICER1):c.1373del (p.Asn458fs)

Gene: DICER1 (dicer 1, ribonuclease III; minus strand). Cytogenetic location: 14q32.13.
Variant type: Deletion.
Coding change: c.1373del on transcript NM_177438.3 (MANE Select); coding-DNA position 1373, one base deleted (A; older notation c.1373delA).
Protein change: p.Asn458fs; shifts the reading frame from asparagine 458.
Molecular consequence: frameshift variant.
Genome position (GRCh38, 1-based): chr14:95,124,199, T deleted on the plus strand (A on the coding strand, the reverse complement: DICER1 is on the minus strand); the first of 3 consecutive T bases (chr14:95,124,199-95,124,201); deleting any one gives the same sequence. VCF-style (leftmost placement, unchanged base first): chr14-95124198-GT-G. GRCh37 (hg19) VCF-style: chr14-95590535-GT-G.
Other names: c.1373del, p.Asn458fs (NM_001195573.1, NM_001271282.3, NM_001291628.2 and 1 more transcripts); short protein forms N458fs.
Identifiers: ClinVar variation 1451254 (VCV001451254.7), dbSNP rs2140200556, ClinGen allele CA2573150330.
Genomic context (GRCh38, chr14:95,124,198, plus strand): 5'-ATCACAACACAGGACGCCTCCCTGTTCTCATGTGAAAGGAGTCAACTTACAGATTTACCT[GT>G]TTAAGACAACTGCTGTGTATCTTCTTTCCACAAAAATAATTCCGCACAAAATGTTGGTAA-3'